The following is an entry in ClinVar:

ClinVar aggregate classification (germline): Likely pathogenic (1 of 4 stars; one submission).

Allele frequency attached by ClinVar (database versions not stated): gnomAD 0.00001.
gnomAD v4.1: 1 of 1,610,848 alleles (0.000062%); highest among the groups gnomAD compares: Non-Finnish European, 0.000085%; no homozygotes.

Submission:

Labcorp Genetics (formerly Invitae), Labcorp
Classification: Likely pathogenic. Last evaluated: 2022-03-04. Review status: criteria provided, single submitter. Criteria: Invitae Variant Classification Sherloc (09022015). Collection method: clinical testing. Allele origin: germline.
Comment: In summary, the currently available evidence indicates that the variant is pathogenic, but additional data are needed to prove that conclusively. Therefore, this variant has been classified as Likely Pathogenic. Algorithms developed to predict the effect of sequence changes on RNA splicing suggest that this variant may disrupt the consensus splice site. This variant has not been reported in the literature in individuals affected with LZTR1-related conditions. This variant is not present in population databases (gnomAD no frequency). This sequence change affects a donor splice site in intron 1 of the LZTR1 gene. It is expected to disrupt RNA splicing. Variants that disrupt the donor or acceptor splice site typically lead to a loss of protein function (PMID: 16199547), and loss-of-function variants in LZTR1 are known to be pathogenic (PMID: 24362817, 25335493, 25480913, 25795793, 29469822, 30442762, 30442766, 30481304, 30859559).

Literature cited by the submitters: PubMed 16199547; PubMed 24362817; PubMed 25335493; PubMed 25480913; PubMed 25795793; PubMed 29469822; PubMed 30442762; PubMed 30442766; PubMed 30481304; PubMed 30859559.

NM_006767.4(LZTR1):c.200+2T>G

Gene: LZTR1 (leucine zipper like post translational regulator 1; plus strand). Cytogenetic location: 22q11.21.
Variant type: single nucleotide variant.
Coding change: c.200+2T>G on transcript NM_006767.4 (MANE Select); the canonical splice donor site of the intron after coding-DNA position 200, T replaced by G.
Molecular consequence: splice donor variant.
Genome position (GRCh38, 1-based): chr22:20,982,573, T>G. VCF-style: chr22-20982573-T-G. GRCh37 (hg19) VCF-style: chr22-21336862-T-G.
Identifiers: ClinVar variation 1467001 (VCV001467001.6), dbSNP rs573971763, ClinGen allele CA410778206.
Genomic context (GRCh38, chr22:20,982,573, plus strand): 5'-TTCGAAACAGTGCATCGCTGGCGGCGCCTCCCGCCCTGCGACGAGTTCGTGGGTGCCCGG[T>G]ACGGTGGGCTTCATGGGGTCCTGAGGACAGGAAGGGCGATCTGCGAGGGTCCCAGGGCGG-3'